The following is an entry in ClinVar:

ClinVar aggregate classification (germline): Likely benign (0 of 4 stars; one submission).

Conditions:
DMPK-related disorder. Also called: DMPK-related condition.

Allele frequency attached by ClinVar (database versions not stated): gnomAD exomes below 0.00001; TOPMed 0.00001.

Submission:

PreventionGenetics, part of Exact Sciences
Classification: Likely benign for DMPK-related condition. Last evaluated: 2019-04-15. Review status: no assertion criteria provided. Collection method: clinical testing. Allele origin: germline.
Comment: This variant is classified as likely benign based on ACMG/AMP sequence variant interpretation guidelines (Richards et al. 2015 PMID: 25741868, with internal and published modifications).

NM_004409.5(DMPK):c.1587A>G (p.Ala529=)

Genes: DM1-AS (DM1 locus antisense RNA; plus strand), DMPK (DM1 protein kinase; minus strand), LOC107075317 (origin of replication in DMPK trinucleotide repeat region; plus strand). Cytogenetic location: 19q13.32.
Variant type: single nucleotide variant.
Coding change: c.1587A>G on transcript NM_004409.5 (MANE Select); coding-DNA position 1587, A replaced by G.
Protein change: p.Ala529=; no amino-acid change (alanine 529 retained).
Molecular consequence: synonymous variant. On other transcripts: non-coding transcript variant (1).
Genome position (GRCh38, 1-based): chr19:45,771,581, T>C on the plus strand (A>G on the coding strand, the complement: DMPK is on the minus strand). VCF-style: chr19-45771581-T-C. GRCh37 (hg19) VCF-style: chr19-46274839-T-C.
Other names: c.1572A>G, p.Ala524= (NM_001081560.3, NM_001081562.3, NM_001288766.2 and 1 more transcripts); c.1617A>G, p.Ala539= (NM_001081563.3); c.1665A>G, p.Ala555= (NM_001288764.2, NM_001424163.1); c.1320A>G, p.Ala440= (NM_001288765.2); c.1587A>G, p.Ala529= (NM_001424162.1, NM_001424164.1, NM_001424165.1 and 1 more transcripts); c.1146A>G, p.Ala382= (NM_001424166.1).
Identifiers: ClinVar variation 3047767 (VCV003047767.2), dbSNP rs1969449509, ClinGen allele CA507962649.